The following is an entry in ClinVar:

ClinVar aggregate classification (germline): Uncertain significance (1 of 4 stars; one submission).

Conditions:
Hereditary cancer-predisposing syndrome. Also called: Neoplastic Syndromes, Hereditary; Tumor predisposition; Hereditary Cancer Syndrome; Hereditary neoplastic syndrome. Identifiers: Orphanet 140162, MedGen C0027672, MeSH D009386, MONDO:0015356.

Submission:

Ambry Genetics
Classification: Uncertain significance for Hereditary cancer-predisposing syndrome. Last evaluated: 2026-01-19. Review status: criteria provided, single submitter. Criteria: Ambry Variant Classification Scheme 2023. Collection method: clinical testing. Allele origin: germline.
Comment: The p.E1403Q variant (also known as c.4207G>C), located in coding exon 23 of the PTCH1 gene, results from a G to C substitution at nucleotide position 4207. The glutamic acid at codon 1403 is replaced by glutamine, an amino acid with highly similar properties. This amino acid position is conserved. In addition, this alteration is predicted to be tolerated by in silico analysis. Based on the available evidence, the clinical significance of this variant remains unclear.

NM_000264.5(PTCH1):c.4207G>C (p.Glu1403Gln)

Gene: PTCH1 (patched 1; minus strand). Cytogenetic location: 9q22.32.
Variant type: single nucleotide variant.
Coding change: c.4207G>C on transcript NM_000264.5 (MANE Select); coding-DNA position 4207, G replaced by C.
Protein change: p.Glu1403Gln; replaces glutamic acid 1403 with glutamine.
Molecular consequence: missense variant. On other transcripts: non-coding transcript variant (1).
Genome position (GRCh38, 1-based): chr9:95,447,049, C>G on the plus strand (G>C on the coding strand, the complement: PTCH1 is on the minus strand). VCF-style: chr9-95447049-C-G. GRCh37 (hg19) VCF-style: chr9-98209331-C-G.
Other names: c.4009G>C, p.Glu1337Gln (NM_001083602.3); c.4204G>C, p.Glu1402Gln (NM_001083603.3); c.3754G>C, p.Glu1252Gln (NM_001083604.3, NM_001083605.3, NM_001083606.3 and 1 more transcripts); c.4051G>C, p.Glu1351Gln (NM_001354918.2); short protein forms E1252Q, E1337Q, E1403Q, E1351Q, E1402Q.
Identifiers: ClinVar variation 4845067 (VCV004845067.1).
Genomic context (GRCh38, chr9:95,447,049, plus strand): 5'-TCCTCTCACACCGGACGTGGAAAGGCACGTGGGGGTCCTCAAACAGGCCGTGGTCAGTCT[C>G]AGGGTAGCCTGGGCAGAGTCCCCCTCGGGGGTTCCGCCCAGGCCCAGGGACAGGCGGCGG-3'
Protein context (NP_000255.2, residues 1393-1413): PRGGLCPGYP[Glu1403Gln]TDHGLFEDPH